The following is an entry in ClinVar:

NM_001010909.5(MUC21):c.717A>T (p.Thr239=)

Genes: MUC21 (mucin 21, cell surface associated; plus strand), LOC126859647 (CDK7 strongly-dependent group 2 enhancer GRCh37_chr6:30954612-30955811; plus strand). Cytogenetic location: 6p21.33.
Variant type: single nucleotide variant.
Coding change: c.717A>T on transcript NM_001010909.5 (MANE Select); coding-DNA position 717, A replaced by T.
Protein change: p.Thr239=; no amino-acid change (threonine 239 retained).
Molecular consequence: synonymous variant. On other transcripts: non-coding transcript variant (1).
Genome position (GRCh38, 1-based): chr6:30,986,892, A>T. VCF-style: chr6-30986892-A-T. GRCh37 (hg19) VCF-style: chr6-30954669-A-T.
Other names: c.807A>T, p.Thr269= (NM_001322370.2, NM_001322371.2).
Identifiers: ClinVar variation 3052265 (VCV003052265.9), dbSNP rs879175565, ClinGen allele CA136799953.

ClinVar aggregate classification (germline): Likely benign. Review status: criteria provided, single submitter (1 of 4 stars). 2 submissions from 2 submitters: Likely benign (1). 1 of the submissions does not count toward it. Last evaluated 2025-03-01.

Conditions:
MUC21-related disorder. Also called: MUC21-related condition.

Submissions (2):

CeGaT Center for Human Genetics Tuebingen
Classification: Likely benign. Last evaluated: 2025-03-01. Review status: criteria provided, single submitter. Criteria: CeGaT Center For Human Genetics Tuebingen Variant Classification Criteria Version 2. Collection method: clinical testing. Allele origin: germline. Affected: yes. Observed: 1 variant allele.
Comment: MUC21: BP4, BP7

PreventionGenetics, part of Exact Sciences
Classification: Likely benign for MUC21-related condition. Last evaluated: 2020-12-29. Review status: no assertion criteria provided. Collection method: clinical testing. Allele origin: germline. Not counted in ClinVar's aggregate classification.
Comment: This variant is classified as likely benign based on ACMG/AMP sequence variant interpretation guidelines (Richards et al. 2015 PMID: 25741868, with internal and published modifications).